The following is an entry in ClinVar:

NM_005765.3(ATP6AP2):c.588+260G>A

Gene: ATP6AP2 (ATPase H+ transporting accessory protein 2; plus strand). Cytogenetic location: Xp11.4.
Variant type: single nucleotide variant.
Coding change: c.588+260G>A on transcript NM_005765.3 (MANE Select); 260 bases into the intron after coding-DNA position 588, G replaced by A.
Molecular consequence: intron variant.
Genome position (GRCh38, 1-based): chrX:40,598,994, G>A. VCF-style: chrX-40598994-G-A. GRCh37 (hg19) VCF-style: chrX-40458246-G-A.
Identifiers: ClinVar variation 669790 (VCV000669790.2), dbSNP rs57755052, ClinGen allele CA328989135.

ClinVar aggregate classification (germline): Benign. Review status: criteria provided, multiple submitters, no conflicts (2 of 4 stars). 2 submissions from 2 submitters: Benign (2). Last evaluated 2018-06-19.

Allele frequency attached by ClinVar (database versions not stated): gnomAD exomes 0.00425; 1000 Genomes Project 0.02781; gnomAD 0.02802 and 0.02998; 1000 Genomes Project 30x 0.03122; TOPMed 0.03333.
gnomAD v4.1: 4,293 of 374,789 alleles (1.1%); highest among the groups gnomAD compares: African/African-American, 9.8%; 146 homozygotes.

Submissions (2):

GeneDx
Classification: Benign. Last evaluated: 2018-06-19. Review status: criteria provided, single submitter. Criteria: GeneDx Variant Classification (06012015). Collection method: clinical testing. Allele origin: germline. Affected: yes.
Comment: This variant is considered likely benign or benign based on one or more of the following criteria: it is a conservative change, it occurs at a poorly conserved position in the protein, it is predicted to be benign by multiple in silico algorithms, and/or has population frequency not consistent with disease.

Breakthrough Genomics
Classification: Benign. Review status: criteria provided, single submitter. Criteria: ACMG Guidelines, 2015. Collection method: not provided. Allele origin: germline. Inheritance: X-linked inheritance. Affected: yes.